The following is an entry in ClinVar:

ClinVar aggregate classification (germline): Pathogenic/Likely pathogenic. Review status: criteria provided, multiple submitters, no conflicts (2 of 4 stars). 2 submissions from 2 submitters: Pathogenic (1); Likely pathogenic (1). Last evaluated 2025-08-01.

Conditions:
Achromatopsia 3 (ACHM3). Also called: ACHROMATOPSIA WITH MYOPIA; PINGELAPESE BLINDNESS; TOTAL COLORBLINDNESS WITH MYOPIA; ROD MONOCHROMACY 1; ROD MONOCHROMATISM 1. Identifiers: Orphanet 49382, MedGen C1849792, MONDO:0009875, OMIM 262300.

Submissions (2):

3billion
Classification: Likely pathogenic for Achromatopsia 3. Last evaluated: 2025-08-01. Review status: criteria provided, single submitter. Criteria: ACMG Guidelines, 2015. Collection method: clinical testing. Allele origin: germline. Affected: yes.
Comment: The variant is observed at an extremely low frequency in the gnomAD v4.1.0 dataset (total allele frequency: <0.001%). Predicted Consequence/Location: Frameshift: predicted to result in a loss or disruption of normal protein function through protein truncation. The predicted truncated protein may be shortened by more than 10%. The variant has been reported to be associated with CNGB3-related disorder (ClinVar ID: VCV001948962). Therefore, this variant is classified as Likely pathogenic according to the recommendation of ACMG/AMP guideline.

Labcorp Genetics (formerly Invitae), Labcorp
Classification: Pathogenic. Last evaluated: 2022-10-04. Review status: criteria provided, single submitter. Criteria: Invitae Variant Classification Sherloc (09022015). Collection method: clinical testing. Allele origin: germline.
Comment: For these reasons, this variant has been classified as Pathogenic. This variant results in an extension of the CNGB3 protein. Other variant(s) that result in a similarly extended protein product (p.Glu729Metfs*99) have been determined to be pathogenic (Invitae). This suggests that these extensions are likely to be disease-causing. This variant has not been reported in the literature in individuals affected with CNGB3-related conditions. This variant is present in population databases (rs770450153, gnomAD 0.006%). This sequence change results in a frameshift in the CNGB3 gene (p.Glu722Metfs*106). While this is not anticipated to result in nonsense mediated decay, it is expected to disrupt the last 88 amino acid(s) of the CNGB3 protein and extend the protein by 17 additional amino acid residues.

NM_019098.5(CNGB3):c.2160_2163del (p.Glu722fs)

Gene: CNGB3 (cyclic nucleotide gated channel subunit beta 3; minus strand). Cytogenetic location: 8q21.3.
Variant type: Deletion.
Coding change: c.2160_2163del on transcript NM_019098.5 (MANE Select); coding-DNA positions 2160 to 2163, 4 bases deleted (AAAA; older notation c.2160_2163delAAAA).
Protein change: p.Glu722fs; shifts the reading frame from glutamic acid 722.
Molecular consequence: frameshift variant.
Genome position (GRCh38, 1-based): chr8:86,576,071-86,576,074, TTTT deleted on the plus strand (AAAA on the coding strand, the reverse complement: CNGB3 is on the minus strand); deleting any 4 consecutive bases within chr8:86,576,071-86,576,075 gives the same sequence; the c. name uses the placement nearest the transcript's 3' end. VCF-style (leftmost placement, unchanged base first): chr8-86576070-CTTTT-C. GRCh37 (hg19) VCF-style: chr8-87588298-CTTTT-C.
Other names: short protein forms E722fs.
Identifiers: ClinVar variation 1948962 (VCV001948962.6), dbSNP rs770450153, ClinGen allele CA4799783.